The following is an entry in ClinVar:

NM_006514.4(SCN10A):c.12del (p.Ile5fs)

Gene: SCN10A (sodium voltage-gated channel alpha subunit 10; minus strand). Cytogenetic location: 3p22.2.
Variant type: Deletion.
Coding change: c.12del on transcript NM_006514.4 (MANE Select); coding-DNA position 12, one base deleted (C; older notation c.12delC).
Protein change: p.Ile5fs; shifts the reading frame from isoleucine 5.
Molecular consequence: frameshift variant.
Genome position (GRCh38, 1-based): chr3:38,793,999, G deleted on the plus strand (C on the coding strand, the reverse complement: SCN10A is on the minus strand); the first of 4 consecutive G bases (chr3:38,793,999-38,794,002); deleting any one gives the same sequence. VCF-style (leftmost placement, unchanged base first): chr3-38793998-TG-T. GRCh37 (hg19) VCF-style: chr3-38835489-TG-T.
Other names: p.Ile5Leufs*20; c.12del, p.Ile5fs (NM_001293306.2, NM_001293307.2); short protein forms I5fs.
Identifiers: ClinVar variation 4540854 (VCV004540854.1).

ClinVar aggregate classification (germline): Uncertain significance (1 of 4 stars; one submission).

Submission:

Mayo Clinic Laboratories, Mayo Clinic
Classification: Uncertain significance. Last evaluated: 2025-02-27. Review status: criteria provided, single submitter. Criteria: ACMG Guidelines, 2015. Collection method: clinical testing. Allele origin: germline. Observed: 1 variant allele.
Comment: PM2_supporting